The following is an entry in ClinVar:

ClinVar aggregate classification (germline): Uncertain significance. Review status: criteria provided, multiple submitters, no conflicts (2 of 4 stars). 3 submissions from 3 submitters: Uncertain significance (3). Last evaluated 2024-01-05.

Conditions:
Hypertrophic cardiomyopathy 12. Identifiers: MedGen C2677491, MONDO:0012804, OMIM 612124.
Dilated cardiomyopathy 1M (CMD1M). Identifiers: Orphanet 154, MedGen C1843808, MONDO:0011840, OMIM 607482.
Cardiovascular phenotype. Identifiers: MedGen CN230736.

Submissions (3):

Ambry Genetics
Classification: Uncertain significance for Cardiovascular phenotype. Last evaluated: 2024-01-05. Review status: criteria provided, single submitter. Criteria: Ambry Variant Classification Scheme 2023. Collection method: clinical testing. Allele origin: germline.
Comment: The c.583T>A variant (also known as p.*195Rext*33), located in coding exon 5 of the CSRP3 gene, results from a T to A substitution at nucleotide position 583. This alteration disrupts the stop codon of the CSRP3 gene and is predicted to preserve the native sequence while resulting in the elongation of the protein by 33 amino acids. The exact functional effect of the additional amino acids is unknown. Since supporting evidence is limited at this time, the clinical significance of this alteration remains unclear.

Labcorp Genetics (formerly Invitae), Labcorp
Classification: Uncertain significance for Hypertrophic cardiomyopathy 12; Dilated cardiomyopathy 1M. Last evaluated: 2023-12-31. Review status: criteria provided, single submitter. Criteria: Invitae Variant Classification Sherloc (09022015). Collection method: clinical testing. Allele origin: germline.
Comment: This sequence change disrupts the translational stop signal of the CSRP3 mRNA. It is expected to extend the length of the CSRP3 protein by 33 additional amino acid residues. This variant is not present in population databases (gnomAD no frequency). This variant has not been reported in the literature in individuals affected with CSRP3-related conditions. ClinVar contains an entry for this variant (Variation ID: 632157). Experimental studies and prediction algorithms are not available or were not evaluated, and the functional significance of this variant is currently unknown. This variant results in an extension of the CSRP3 protein. Other variant(s) that result in a similarly extended protein product (p.*195Cysext*33) have been observed in individuals with CSRP3-related disease (PMID: 32344918). This suggests that these extensions may be clinically significant. In summary, the available evidence is currently insufficient to determine the role of this variant in disease. Therefore, it has been classified as a Variant of Uncertain Significance.

Blueprint Genetics
Classification: Uncertain significance. Last evaluated: 2020-10-27. Review status: criteria provided, single submitter. Criteria: ACMG Guidelines, 2015. Collection method: clinical testing. Allele origin: germline.

Literature cited by the submitters: PubMed 32344918 (cited by Labcorp Genetics (formerly Invitae), Labcorp).

NM_003476.5(CSRP3):c.583T>A (p.Ter195Arg)

Gene: CSRP3 (cysteine and glycine rich protein 3; minus strand). Cytogenetic location: 11p15.1.
Variant type: single nucleotide variant.
Coding change: c.583T>A on transcript NM_003476.5 (MANE Select); coding-DNA position 583, T replaced by A.
Protein change: p.Ter195Arg.
Molecular consequence: stop lost. On other transcripts: missense variant (1).
Genome position (GRCh38, 1-based): chr11:19,182,672, A>T on the plus strand (T>A on the coding strand, the complement: CSRP3 is on the minus strand). VCF-style: chr11-19182672-A-T. GRCh37 (hg19) VCF-style: chr11-19204219-A-T.
Other names: *195R; c.414T>A, p.Asn138Lys (NM_001369404.1); short protein forms N138K.
Identifiers: ClinVar variation 632157 (VCV000632157.10), dbSNP rs774359383, ClinGen allele CA379887437.